The following is an entry in ClinVar:

ClinVar aggregate classification (germline): Uncertain significance. Review status: criteria provided, multiple submitters, no conflicts (2 of 4 stars). 2 submissions from 2 submitters: Uncertain significance (2). Last evaluated 2023-02-28.

Conditions:
Inborn genetic diseases. Identifiers: MedGen C0950123, MeSH D030342.
BRSK2-related disorder. Also called: BRSK2-related condition; BRSK2-Related Disorders.

Allele frequency attached by ClinVar (database versions not stated): gnomAD exomes 0.00001; TOPMed 0.00007; 1000 Genomes Project 30x 0.00016; 1000 Genomes Project 0.00020.

Submissions (2):

Ambry Genetics
Classification: Uncertain significance for Inborn genetic diseases. Last evaluated: 2023-02-28. Review status: criteria provided, single submitter. Criteria: Ambry Variant Classification Scheme 2023. Collection method: clinical testing. Allele origin: germline.

PreventionGenetics, part of Exact Sciences
Classification: Uncertain significance for BRSK2-related condition. Last evaluated: 2022-08-18. Review status: criteria provided, single submitter. Criteria: ACMG Guidelines, 2015. Collection method: clinical testing. Allele origin: germline.
Comment: The BRSK2 c.19G>A variant is predicted to result in the amino acid substitution p.Asp7Asn. To our knowledge, this variant has not been reported in the literature. This variant is reported in 0.032% of alleles in individuals of East Asian descent in gnomAD. At this time, the clinical significance of this variant is uncertain due to the absence of conclusive functional and genetic evidence.

NM_001256627.2(BRSK2):c.19G>A (p.Asp7Asn)

Gene: BRSK2 (BR serine/threonine kinase 2; plus strand). Cytogenetic location: 11p15.5.
Variant type: single nucleotide variant.
Coding change: c.19G>A on transcript NM_001256627.2 (MANE Select); coding-DNA position 19, G replaced by A.
Protein change: p.Asp7Asn; replaces aspartic acid 7 with asparagine.
Molecular consequence: missense variant. On other transcripts: non-coding transcript variant (1).
Genome position (GRCh38, 1-based): chr11:1,390,303, G>A. VCF-style: chr11-1390303-G-A. GRCh37 (hg19) VCF-style: chr11-1411533-G-A.
Other names: c.19G>A, p.Asp7Asn (NM_001256629.2, NM_003957.4); c.19G>A (NM_001256627.1); short protein forms D7N.
Identifiers: ClinVar variation 2458761 (VCV002458761.3), dbSNP rs533360037, ClinGen allele CA5810265.
Genomic context (GRCh38, chr11:1,390,303, plus strand): 5'-CGCGCGCCCGGGCGCCCCTGGCCGGCGCCGGGCCCCAGAGCGATGACATCGACGGGGAAG[G>A]ACGGCGGCGCGCAGCACGCGCAGTATGTTGGGCCCTACCGGCTGGAGAAGACGCTGGGCA-3'
Protein context (NP_001243556.1, residues 1-17): MTSTGK[Asp7Asn]GGAQHAQYVG